The following is an entry in ClinVar:

NM_004484.4(GPC3):c.896A>G (p.Tyr299Cys)

Gene: GPC3 (glypican 3; minus strand). Cytogenetic location: Xq26.2.
Variant type: single nucleotide variant.
Coding change: c.896A>G on transcript NM_004484.4 (MANE Select); coding-DNA position 896, A replaced by G.
Protein change: p.Tyr299Cys; replaces tyrosine 299 with cysteine.
Molecular consequence: missense variant.
Genome position (GRCh38, 1-based): chrX:133,753,618, T>C on the plus strand (A>G on the coding strand, the complement: GPC3 is on the minus strand). VCF-style: chrX-133753618-T-C. GRCh37 (hg19) VCF-style: chrX-132887645-T-C.
Other names: c.896A>G, p.Tyr299Cys (NM_001164617.2); c.848A>G, p.Tyr283Cys (NM_001164618.2); c.734A>G, p.Tyr245Cys (NM_001164619.2); short protein forms Y283C, Y299C, Y245C.
Identifiers: ClinVar variation 1449427 (VCV001449427.6), dbSNP rs2071690786, ClinGen allele CA414705347.
Genomic context (GRCh38, chrX:133,753,618, plus strand): 5'-ACGTTCTCCATGTCATAGATTCTGTACATGCCATTCACAAGTTCTTCAAGGGACAGAATG[T>C]ATTCTCTCCAGTACTTGTCAATCTCCACCACACCTGCCATACAGCCTTGCATGACCACAT-3'
Protein context (NP_004475.1, residues 289-309): VVEIDKYWRE[Tyr299Cys]ILSLEELVNG

ClinVar aggregate classification (germline): Uncertain significance (1 of 4 stars; one submission).

Conditions:
Wilms tumor 1 (WT1). Also called: Wilms tumor, somatic. Identifiers: Orphanet 654, MedGen CN033288, MONDO:0008679, OMIM 194070.

Allele frequency attached by ClinVar (database versions not stated): TOPMed 0.00001.

Submission:

Labcorp Genetics (formerly Invitae), Labcorp
Classification: Uncertain significance for Wilms tumor 1. Last evaluated: 2023-06-03. Review status: criteria provided, single submitter. Criteria: Invitae Variant Classification Sherloc (09022015). Collection method: clinical testing. Allele origin: germline.
Comment: In summary, the available evidence is currently insufficient to determine the role of this variant in disease. Therefore, it has been classified as a Variant of Uncertain Significance. This variant is not present in population databases (gnomAD no frequency). This variant has not been reported in the literature in individuals affected with GPC3-related conditions. ClinVar contains an entry for this variant (Variation ID: 1449427). Advanced modeling of protein sequence and biophysical properties (such as structural, functional, and spatial information, amino acid conservation, physicochemical variation, residue mobility, and thermodynamic stability) performed at Invitae indicates that this missense variant is expected to disrupt GPC3 protein function. This sequence change replaces tyrosine, which is neutral and polar, with cysteine, which is neutral and slightly polar, at codon 299 of the GPC3 protein (p.Tyr299Cys).